The following is an entry in ClinVar:

ClinVar aggregate classification (germline): Uncertain significance (1 of 4 stars; one submission).

Submission:

Labcorp Genetics (formerly Invitae), Labcorp
Classification: Uncertain significance. Last evaluated: 2022-08-01. Review status: criteria provided, single submitter. Criteria: Invitae Variant Classification Sherloc (09022015). Collection method: clinical testing. Allele origin: germline.
Comment: Algorithms developed to predict the effect of missense changes on protein structure and function (SIFT, PolyPhen-2, Align-GVGD) all suggest that this variant is likely to be tolerated. In summary, the available evidence is currently insufficient to determine the role of this variant in disease. Therefore, it has been classified as a Variant of Uncertain Significance. This variant has not been reported in the literature in individuals affected with DEF6-related conditions. This variant is not present in population databases (gnomAD no frequency). This sequence change replaces cysteine, which is neutral and slightly polar, with arginine, which is basic and polar, at codon 246 of the DEF6 protein (p.Cys246Arg).

NM_022047.4(DEF6):c.736T>C (p.Cys246Arg)

Gene: DEF6 (DEF6 guanine nucleotide exchange factor; plus strand). Cytogenetic location: 6p21.31.
Variant type: single nucleotide variant.
Coding change: c.736T>C on transcript NM_022047.4 (MANE Select); coding-DNA position 736, T replaced by C.
Protein change: p.Cys246Arg; replaces cysteine 246 with arginine.
Molecular consequence: missense variant.
Genome position (GRCh38, 1-based): chr6:35,312,701, T>C. VCF-style: chr6-35312701-T-C. GRCh37 (hg19) VCF-style: chr6-35280478-T-C.
Other names: short protein forms C246R.
Identifiers: ClinVar variation 1714672 (VCV001714672.5), dbSNP rs2534182589, ClinGen allele CA363764090.